The following is an entry in ClinVar:

ClinVar aggregate classification (germline): Conflicting classifications of pathogenicity. Review status: criteria provided, conflicting classifications (1 of 4 stars). 9 submissions from 8 submitters: Uncertain significance (7); Likely benign (2). Last evaluated 2026-01-26.

Conditions:
Hereditary cancer-predisposing syndrome. Also called: Neoplastic Syndromes, Hereditary; Hereditary Cancer Syndrome; Hereditary neoplastic syndrome; Tumor predisposition. Identifiers: Orphanet 140162, MedGen C0027672, MeSH D009386, MONDO:0015356.
Cardiovascular phenotype. Identifiers: MedGen CN230736.
Café-au-lait macules with pulmonary stenosis (WTSN). Also called: PULMONIC STENOSIS WITH CAFE-AU-LAIT SPOTS. Identifiers: MedGen C0553586, MONDO:0008672, OMIM 193520.
Neurofibromatosis, familial spinal (FSNF). Identifiers: Orphanet 636, MedGen C1834235, MONDO:0008078, OMIM 162210. Disease mechanism: loss of function.
Neurofibromatosis, type 1 (NF1). Also called: VON RECKLINGHAUSEN DISEASE; Neurofibromatosis, type I; NEUROFIBROMATOSIS, TYPE I, SOMATIC; Peripheral type neurofibromatosis. Identifiers: Orphanet 636, MedGen C0027831, MONDO:0018975, OMIM 162200. Disease mechanism: loss of function.
Juvenile myelomonocytic leukemia (JMML). Also called: LEUKEMIA, JUVENILE MYELOMONOCYTIC, SOMATIC. Identifiers: Orphanet 86834, MedGen C0349639, MONDO:0011908, OMIM 607785, HP:0012209.
Neurofibromatosis-Noonan syndrome (NFNS). Also called: NEUROFIBROMATOSIS WITH NOONAN PHENOTYPE. Identifiers: Orphanet 638, MedGen C2931482, MONDO:0011035, OMIM 601321. Disease mechanism: loss of function.

Allele frequency attached by ClinVar (database versions not stated): gnomAD 0.00002; gnomAD exomes 0.00002; TOPMed 0.00003; ExAC 0.00004; ESP Exome Variant Server 0.00008.
gnomAD v4.1: 32 of 1,613,940 alleles (0.002%); highest among the groups gnomAD compares: Middle Eastern, 0.016%; no homozygotes.

Submissions (9):

Labcorp Genetics (formerly Invitae), Labcorp
Classification: Likely benign for Neurofibromatosis, type 1. Last evaluated: 2026-01-26. Review status: criteria provided, single submitter. Criteria: Invitae Variant Classification Sherloc (09022015). Collection method: clinical testing. Allele origin: germline.

Quest Diagnostics Nichols Institute San Juan Capistrano
Classification: Uncertain significance. Last evaluated: 2024-12-16. Review status: criteria provided, single submitter. Criteria: Quest Diagnostics criteria. Collection method: clinical testing. Allele origin: unknown.

GeneDx
Classification: Uncertain significance. Last evaluated: 2024-07-02. Review status: criteria provided, single submitter. Criteria: GeneDx Variant Classification Process June 2021. Collection method: clinical testing. Allele origin: germline. Affected: yes.
Comment: Observed in individuals with a personal and/or family history of breast cancer (PMID: 30262796, 33471991); In silico analysis supports that this missense variant has a deleterious effect on protein structure/function; This variant is associated with the following publications: (PMID: 30287823, 30262796, 33471991, 32980694, 36243179, 22807134, 25486365, 37316882)

Fulgent Genetics
Classification: Uncertain significance for Neurofibromatosis, type 1; Neurofibromatosis, familial spinal; Café-au-lait macules with pulmonary stenosis; Neurofibromatosis-Noonan syndrome; Juvenile myelomonocytic leukemia. Last evaluated: 2024-05-29. Review status: criteria provided, single submitter. Criteria: ACMG Guidelines, 2015. Collection method: clinical testing. Allele origin: germline.

Ambry Genetics
Classification: Likely benign for Cardiovascular phenotype; Hereditary cancer-predisposing syndrome. Last evaluated: 2023-06-30. Review status: criteria provided, single submitter. Criteria: Ambry Variant Classification Scheme 2023. Collection method: clinical testing. Allele origin: germline.

Genome-Nilou Lab
Classification: Uncertain significance for Neurofibromatosis, type 1. Last evaluated: 2022-03-15. Review status: criteria provided, single submitter. Criteria: ACMG Guidelines, 2015. Collection method: clinical testing. Allele origin: germline. Affected: no.

Sema4
Classification: Uncertain significance for Hereditary cancer-predisposing syndrome. Last evaluated: 2021-11-03. Review status: criteria provided, single submitter. Criteria: Sema4 Curation Guidelines. Collection method: curation. Allele origin: germline.
Comment: The NF1 c.4009C>T (p.R1337W) variant has been reported in at least three individuals with a personal or family history of breast and/or ovarian cancer (PMID: 30262796, 33471991), and has also been reported in healthy controls (PMID: 33471991, 30287823, 32980694). It was observed in 3/30616 chromosomes of the South Asian subpopulation, with no homozygotes, in the large and broad cohorts of the Genome Aggregation Database (PMID: 32461654). The variant has been reported in ClinVar (Variation ID: 141586). Functional studies have not been performed, and in silico predictions of the variant's effect on protein function are inconclusive. The evidence is insufficient to meet ACMG/AMP criteria for classifying the variant as benign or pathogenic. Thus, the clinical significance of this variant is currently uncertain.

Mendelics
Classification: Uncertain significance for Neurofibromatosis, type 1. Last evaluated: 2018-07-02. Review status: criteria provided, single submitter. Criteria: Mendelics Assertion Criteria 2017. Collection method: clinical testing. Allele origin: unknown.

Ambry Genetics
Classification: Uncertain significance for Hereditary cancer-predisposing syndrome. Last evaluated: 2015-10-22. Review status: criteria provided, single submitter. Criteria: Ambry Autosomal Dominant and X-Linked criteria (10/2015). Collection method: clinical testing. Allele origin: germline. Observed: 1 variant allele.
Comment: The p.R1337W variant (also known as c.4009C>T), located in coding exon 30 of the NF1 gene, results from a C to T substitution at nucleotide position 4009. The arginine at codon 1337 is replaced by tryptophan, an amino acid with dissimilar properties. This variant was previously reported in the SNPDatabase as rs146306756. Based on data from the NHLBI Exome Sequencing Project (ESP), the T-allele has an overall frequency of approximately 0.01% (1/13006), having been observed in 0% (0/4406) of African American alleles, and in 0.01% (1/8600) of European American alleles.This variant was not reported in the 1000 Genomes Project population-based cohort.To date, this alteration has been detected with an allele frequency of approximately 0.004% (greater than 110000 alleles tested) in our clinical cohort. Based on protein sequence alignment, thisamino acid position is well conserved in available vertebrate species. In addition, the in silico prediction for this alteration is inconclusive.Since supporting evidence is limited at this time, the clinical significance ofp.R1337Wremains unclear.

Literature cited by the submitters: PubMed 30262796 (cited by Sema4); PubMed 33471991 (cited by Sema4); PubMed 30287823 (cited by Sema4); PubMed 32980694 (cited by Sema4).

NM_001042492.3(NF1):c.4009C>T (p.Arg1337Trp)

Gene: NF1 (neurofibromin 1; plus strand). Cytogenetic location: 17q11.2.
Variant type: single nucleotide variant.
Coding change: c.4009C>T on transcript NM_001042492.3 (MANE Select); coding-DNA position 4009, C replaced by T.
Protein change: p.Arg1337Trp; replaces arginine 1337 with tryptophan.
Molecular consequence: missense variant.
Genome position (GRCh38, 1-based): chr17:31,249,018, C>T. VCF-style: chr17-31249018-C-T. GRCh37 (hg19) VCF-style: chr17-29576036-C-T.
Other names: c.4009C>T, p.Arg1337Trp (NM_000267.4); short protein forms R1337W.
Identifiers: ClinVar variation 141586 (VCV000141586.19), dbSNP rs146306756, ClinGen allele CA165863.
Genomic context (GRCh38, chr17:31,249,018, plus strand): 5'-AGGATTTTATTTTTATTTTTTTGTAGGTTAGAACCATCAGAGAGCCTTGAGGAAAACCAG[C>T]GGAACCTCCTTCAGATGACTGAAAAGTTCTTCCATGCCATCATCAGTTCCTCCTCAGAAT-3'
Protein context (NP_001035957.1, residues 1327-1347): EPSESLEENQ[Arg1337Trp]NLLQMTEKFF